The following is an entry in ClinVar:

ClinVar aggregate classification (germline): Uncertain significance (1 of 4 stars; one submission).

Conditions:
Congenital myasthenic syndrome 10. Also called: Myasthenia, limb-girdle, familial. Identifiers: Orphanet 590, MedGen C1850792, MONDO:0009690, OMIM 254300.
Fetal akinesia deformation sequence 1 (FADS1). Also called: Fetal akinesia sequence; Pena-Shokeir syndrome type I. Identifiers: Orphanet 994, MedGen C1276035, MONDO:0100101, OMIM 208150, HP:0001989.

Allele frequency attached by ClinVar (database versions not stated): TOPMed 0.00001; gnomAD 0.00008; ESP Exome Variant Server 0.00009; ExAC 0.00013; 1000 Genomes Project 30x 0.00062.
gnomAD v4.1: 70 of 1,483,040 alleles (0.0047%); highest among the groups gnomAD compares: Non-Finnish European, 0.0014%; no homozygotes.

Submission:

Labcorp Genetics (formerly Invitae), Labcorp
Classification: Uncertain significance for Congenital myasthenic syndrome 10; Fetal akinesia deformation sequence 1. Last evaluated: 2022-11-07. Review status: criteria provided, single submitter. Criteria: Invitae Variant Classification Sherloc (09022015). Collection method: clinical testing. Allele origin: germline.
Comment: In summary, the available evidence is currently insufficient to determine the role of this variant in disease. Therefore, it has been classified as a Variant of Uncertain Significance. Algorithms developed to predict the effect of sequence changes on RNA splicing suggest that this variant may disrupt the consensus splice site. Advanced modeling of protein sequence and biophysical properties (such as structural, functional, and spatial information, amino acid conservation, physicochemical variation, residue mobility, and thermodynamic stability) performed at Invitae indicates that this missense variant is not expected to disrupt DOK7 protein function. This variant has not been reported in the literature in individuals affected with DOK7-related conditions. This variant is present in population databases (rs370421989, gnomAD 0.04%). This sequence change replaces valine, which is neutral and non-polar, with leucine, which is neutral and non-polar, at codon 11 of the DOK7 protein (p.Val11Leu).

NM_173660.5(DOK7):c.31G>C (p.Val11Leu)

Gene: DOK7 (docking protein 7; plus strand). Cytogenetic location: 4p16.3.
Variant type: single nucleotide variant.
Coding change: c.31G>C on transcript NM_173660.5 (MANE Select); coding-DNA position 31, G replaced by C.
Protein change: p.Val11Leu; replaces valine 11 with leucine.
Molecular consequence: missense variant.
Genome position (GRCh38, 1-based): chr4:3,463,406, G>C. VCF-style: chr4-3463406-G-C. GRCh37 (hg19) VCF-style: chr4-3465133-G-C.
Other names: c.31G>C, p.Val11Leu (NM_001164673.2, NM_001301071.2, NM_001363811.2); short protein forms V11L.
Identifiers: ClinVar variation 2069829 (VCV002069829.2), dbSNP rs370421989, ClinGen allele CA2828814.